The following is an entry in ClinVar:

ClinVar aggregate classification (germline): Uncertain significance (1 of 4 stars; one submission).

gnomAD v4.1: 2 of 1,614,146 alleles (0.00012%); highest among the groups gnomAD compares: East Asian, 0.0022%; no homozygotes.

Submission:

Labcorp Genetics (formerly Invitae), Labcorp
Classification: Uncertain significance. Last evaluated: 2025-12-01. Review status: criteria provided, single submitter. Criteria: Invitae Variant Classification Sherloc (09022015). Collection method: clinical testing. Allele origin: germline.
Comment: This sequence change creates a premature translational stop signal (p.Arg167*) in the PCGF2 gene. It is expected to result in an absent or disrupted protein product. However, the current clinical and genetic evidence is not sufficient to establish whether loss-of-function variants in PCGF2 cause disease. This variant is present in population databases (rs368479811, gnomAD 0.006%). This premature translational stop signal has been observed in individual(s) with PCGF2-related conditions (PMID: 35982159). Algorithms developed to predict the effect of sequence changes on RNA splicing suggest that this variant may create or strengthen a splice site. In summary, the available evidence is currently insufficient to determine the role of this variant in disease. Therefore, it has been classified as a Variant of Uncertain Significance.

Literature cited by the submitters: PubMed 35982159.

NM_007144.3(PCGF2):c.499C>T (p.Arg167Ter)

Gene: PCGF2 (polycomb group ring finger 2; minus strand). Cytogenetic location: 17q12.
Variant type: single nucleotide variant.
Coding change: c.499C>T on transcript NM_007144.3 (MANE Select); coding-DNA position 499, C replaced by T.
Protein change: p.Arg167Ter; replaces arginine 167 with a stop codon.
Molecular consequence: nonsense.
Genome position (GRCh38, 1-based): chr17:38,738,430, G>A on the plus strand (C>T on the coding strand, the complement: PCGF2 is on the minus strand). VCF-style: chr17-38738430-G-A. GRCh37 (hg19) VCF-style: chr17-36894683-G-A.
Other names: c.499C>T, p.Arg167Ter (NM_001369614.1, NM_001369615.1); short protein forms R167*.
Identifiers: ClinVar variation 4754259 (VCV004754259.1).
Genomic context (GRCh38, chr17:38,738,430, plus strand): 5'-CATCCATCTTGTTGCGGAGAAACTTGGCAAGATGCATGACGGTCATGGCTGCTGGGCATC[G>A]CAGGAAGCGCACCCCTGTCTGCTGGGGCACAGGCACCCATGGTAGGGGATCCACCCCAGG-3'